The following is an entry in ClinVar:

NM_201596.3(CACNB2):c.1831G>A (p.Asp611Asn)

Gene: CACNB2 (calcium voltage-gated channel auxiliary subunit beta 2; plus strand). Cytogenetic location: 10p12.31.
Variant type: single nucleotide variant.
Coding change: c.1831G>A on transcript NM_201596.3 (MANE Select); coding-DNA position 1831, G replaced by A.
Protein change: p.Asp611Asn; replaces aspartic acid 611 with asparagine.
Molecular consequence: missense variant.
Genome position (GRCh38, 1-based): chr10:18,539,572, G>A. VCF-style: chr10-18539572-G-A. GRCh37 (hg19) VCF-style: chr10-18828501-G-A.
Other names: c.1666G>A, p.Asp556Asn (NM_000724.4); c.1633G>A, p.Asp545Asn (NM_001167945.2); c.1552G>A, p.Asp518Asn (NM_001330060.2); c.1687G>A, p.Asp563Asn (NM_201570.3); c.1747G>A, p.Asp583Asn (NM_201571.4); c.1675G>A, p.Asp559Asn (NM_201572.4); c.1669G>A, p.Asp557Asn (NM_201590.3); c.1717G>A, p.Asp573Asn (NM_201593.3); and 1 more; short protein forms D518N, D545N, D556N, D557N, D559N, D563N, D573N, D583N.
Identifiers: ClinVar variation 1053134 (VCV001053134.9), dbSNP rs1239176754, ClinGen allele CA376072490.
Genomic context (GRCh38, chr10:18,539,572, plus strand): 5'-AGAGACGAGACCCACGGGAGCAGTGACCACAGACACAGGGAGTCCCGGCACCGTTCCCGG[G>A]ACGTGGATCGAGAGCAGGACCACAACGAGTGCAACAAGCAGCGCAGCCGTCATAAATCCA-3'
Protein context (NP_963890.2, residues 601-621): RHRESRHRSR[Asp611Asn]VDREQDHNEC

ClinVar aggregate classification (germline): Uncertain significance (1 of 4 stars; one submission).

Conditions:
Brugada syndrome 4 (BRGDA4). Identifiers: Orphanet 130, MedGen C2678477, MONDO:0012743, OMIM 611876.

Allele frequency attached by ClinVar (database versions not stated): gnomAD exomes below 0.00001.

Submission:

Labcorp Genetics (formerly Invitae), Labcorp
Classification: Uncertain significance for Brugada syndrome 4. Last evaluated: 2023-07-07. Review status: criteria provided, single submitter. Criteria: Invitae Variant Classification Sherloc (09022015). Collection method: clinical testing. Allele origin: germline.
Comment: This sequence change replaces aspartic acid, which is acidic and polar, with asparagine, which is neutral and polar, at codon 557 of the CACNB2 protein (p.Asp557Asn). This variant is present in population databases (no rsID available, gnomAD 0.0009%). This variant has not been reported in the literature in individuals affected with CACNB2-related conditions. ClinVar contains an entry for this variant (Variation ID: 1053134). An algorithm developed to predict the effect of missense changes on protein structure and function (PolyPhen-2) suggests that this variant is likely to be tolerated. In summary, the available evidence is currently insufficient to determine the role of this variant in disease. Therefore, it has been classified as a Variant of Uncertain Significance.